The following is an entry in ClinVar:

NM_014687.4(RUBCN):c.822A>G (p.Gln274=)

Gene: RUBCN (rubicon autophagy regulator; minus strand). Cytogenetic location: 3q29.
Variant type: single nucleotide variant.
Coding change: c.822A>G on transcript NM_014687.4 (MANE Select); coding-DNA position 822, A replaced by G.
Protein change: p.Gln274=; no amino-acid change (glutamine 274 retained).
Molecular consequence: synonymous variant.
Genome position (GRCh38, 1-based): chr3:197,701,052, T>C on the plus strand (A>G on the coding strand, the complement: RUBCN is on the minus strand). VCF-style: chr3-197701052-T-C. GRCh37 (hg19) VCF-style: chr3-197427923-T-C.
Other names: c.642A>G, p.Gln214= (NM_001145642.5); c.822A>G, p.Gln274= (NM_001346873.2); c.822A>G (NM_014687.3).
Identifiers: ClinVar variation 727671 (VCV000727671.8), dbSNP rs191663566, ClinGen allele CA2787113.

ClinVar aggregate classification (germline): Likely benign. Review status: criteria provided, multiple submitters, no conflicts (2 of 4 stars). 4 submissions from 4 submitters: Likely benign (3). 1 of the submissions does not count toward it. Last evaluated 2026-06-30.

Conditions:
RUBCN-related disorder. Also called: RUBCN-related condition.

Allele frequency attached by ClinVar (database versions not stated): gnomAD exomes 0.00014; ExAC 0.00018; gnomAD 0.00032; TOPMed 0.00049; ESP Exome Variant Server 0.00058; 1000 Genomes Project 0.00100; 1000 Genomes Project 30x 0.00109.
gnomAD v4.1: 137 of 1,613,500 alleles (0.0085%); highest among the groups gnomAD compares: African/African-American, 0.16%; no homozygotes.

Submissions (4):

Women's Health and Genetics/Laboratory Corporation of America, LabCorp
Classification: Likely benign. Last evaluated: 2026-06-30. Review status: criteria provided, single submitter. Criteria: LabCorp Variant Classification Summary - May 2015. Collection method: clinical testing. Allele origin: germline.

Blueprint Genetics
Classification: Likely benign. Last evaluated: 2024-06-20. Review status: criteria provided, single submitter. Criteria: ACMG Guidelines, 2015. Collection method: clinical testing. Allele origin: germline.

Labcorp Genetics (formerly Invitae), Labcorp
Classification: Likely benign. Last evaluated: 2019-12-31. Review status: criteria provided, single submitter. Criteria: Invitae Variant Classification Sherloc (09022015). Collection method: clinical testing. Allele origin: germline.

PreventionGenetics, part of Exact Sciences
Classification: Likely benign for RUBCN-related condition. Last evaluated: 2019-06-20. Review status: no assertion criteria provided. Collection method: clinical testing. Allele origin: germline. Not counted in ClinVar's aggregate classification.
Comment: This variant is classified as likely benign based on ACMG/AMP sequence variant interpretation guidelines (Richards et al. 2015 PMID: 25741868, with internal and published modifications).